The following is an entry in ClinVar:

ClinVar aggregate classification (germline): Likely benign. Review status: criteria provided, multiple submitters, no conflicts (2 of 4 stars). 3 submissions from 3 submitters: Likely benign (3). Last evaluated 2025-07-18.

Conditions:
Hereditary cancer-predisposing syndrome. Also called: Neoplastic Syndromes, Hereditary; Tumor predisposition; Hereditary neoplastic syndrome; Hereditary Cancer Syndrome. Identifiers: Orphanet 140162, MedGen C0027672, MeSH D009386, MONDO:0015356.

Allele frequency attached by ClinVar (database versions not stated): TOPMed below 0.00001.

Submissions (3):

Ambry Genetics
Classification: Likely benign for Hereditary cancer-predisposing syndrome. Last evaluated: 2025-07-18. Review status: criteria provided, single submitter. Criteria: Ambry Variant Classification Scheme 2023. Collection method: clinical testing. Allele origin: germline.

Labcorp Genetics (formerly Invitae), Labcorp
Classification: Likely benign. Last evaluated: 2020-01-11. Review status: criteria provided, single submitter. Criteria: Invitae Variant Classification Sherloc (09022015). Collection method: clinical testing. Allele origin: germline.

GeneDx
Classification: Likely benign. Last evaluated: 2018-06-15. Review status: criteria provided, single submitter. Criteria: GeneDx Variant Classification (06012015). Collection method: clinical testing. Allele origin: germline. Affected: yes.
Comment: This variant is considered likely benign or benign based on one or more of the following criteria: it is a conservative change, it occurs at a poorly conserved position in the protein, it is predicted to be benign by multiple in silico algorithms, and/or has population frequency not consistent with disease.

NM_006231.4(POLE):c.5871G>A (p.Glu1957=)

Gene: POLE (DNA polymerase epsilon, catalytic subunit; minus strand). Cytogenetic location: 12q24.33.
Variant type: single nucleotide variant.
Coding change: c.5871G>A on transcript NM_006231.4 (MANE Select); coding-DNA position 5871, G replaced by A.
Protein change: p.Glu1957=; no amino-acid change (glutamic acid 1957 retained).
Molecular consequence: synonymous variant.
Genome position (GRCh38, 1-based): chr12:132,634,319, C>T on the plus strand (G>A on the coding strand, the complement: POLE is on the minus strand). VCF-style: chr12-132634319-C-T. GRCh37 (hg19) VCF-style: chr12-133210905-C-T.
Identifiers: ClinVar variation 672344 (VCV000672344.10), dbSNP rs1593712305, ClinGen allele CA482725799.
Genomic context (GRCh38, chr12:132,634,319, plus strand): 5'-TTCCAGTAAATCCTCCACGTTGGATTCCTCCGCCTCTTCCTCCTCCTCCCCATCTCTTTC[C>T]TCCTCATCGTCCTCATTTTCCTGCTCATCCTCTGCTCCCCCTGCTTTCTGGGAGTCTTGC-3'
Protein context (NP_006222.2, residues 1947-1967): EDEQENEDDE[Glu1957=]ERDGEEEEEA